The following is an entry in ClinVar:

ClinVar aggregate classification (germline): Uncertain significance (1 of 4 stars; one submission).

Submission:

GeneDx
Classification: Uncertain significance. Last evaluated: 2017-03-06. Review status: criteria provided, single submitter. Criteria: GeneDx Variant Classification (06012015). Collection method: clinical testing. Allele origin: germline. Affected: yes.
Comment: The c.3268_3270delCCT variant in the ROBO3 gene has not been reported previously as a pathogenic variant nor as a benign variant, to our knowledge. The c.3268_3270delCCT variant causes an in-frame deletion of one amnio acid, Proline 1090, denoted p.Pro1090del. The c.3268_3270delCCT variant is not observed in large population cohorts (Lek et al., 2016; 1000 Genomes Consortium et al., 2015; Exome Variant Server). This deletion occurs at a position that is not conserved. In silico analysis predicts this variant is probably damaging to the protein structure/function. We interpret c.3268_3270delCCT as a variant of uncertain significance.

NM_022370.4(ROBO3):c.3262CCT[2] (p.Pro1090del)

Gene: ROBO3 (roundabout guidance receptor 3; plus strand). Cytogenetic location: 11q24.2.
Variant type: Microsatellite.
Coding change: c.3262CCT[2] on transcript NM_022370.4 (MANE Select); two copies in a row of the 3-base unit CCT starting at c.3262; the reference has three copies in a row; one copy, 3 bases deleted.
Protein change: p.Pro1090del; deletes proline 1090.
Molecular consequence: inframe deletion. On other transcripts: non-coding transcript variant (4).
Genome position (GRCh38, 1-based): chr11:124,878,384-124,878,386, CCT deleted; deleting any 3 consecutive bases within chr11:124,878,378-124,878,386 gives the same sequence; the position shown is the placement nearest the transcript's 3' end. VCF-style (leftmost placement, unchanged base first): chr11-124878377-ACCT-A. GRCh37 (hg19) VCF-style: chr11-124748273-ACCT-A.
Other names: c.409CCT[2], p.Pro139del (NM_001370356.1, NM_001370357.1, NM_001370358.1 and 2 more transcripts); c.214CCT[2], p.Pro74del (NM_001370364.1, NM_001370366.1); short protein forms P1090del, P74del, P139del.
Identifiers: ClinVar variation 423995 (VCV000423995.2), dbSNP rs1064796734, ClinGen allele CA16619287.